The following is an entry in ClinVar:

ClinVar aggregate classification (germline): Uncertain significance (1 of 4 stars; one submission).

Conditions:
RYR1-related disorder. Also called: RYR1-related condition; RYR1-related disorders. Identifiers: MedGen CN239331.

Submission:

Labcorp Genetics (formerly Invitae), Labcorp
Classification: Uncertain significance for RYR1-related disorder. Last evaluated: 2024-07-16. Review status: criteria provided, single submitter. Criteria: Invitae Variant Classification Sherloc (09022015). Collection method: clinical testing. Allele origin: germline.
Comment: This sequence change replaces threonine, which is neutral and polar, with serine, which is neutral and polar, at codon 2540 of the RYR1 protein (p.Thr2540Ser). This variant is not present in population databases (gnomAD no frequency). This variant has not been reported in the literature in individuals affected with RYR1-related conditions. Advanced modeling of protein sequence and biophysical properties (such as structural, functional, and spatial information, amino acid conservation, physicochemical variation, residue mobility, and thermodynamic stability) performed at Invitae indicates that this missense variant is not expected to disrupt RYR1 protein function with a negative predictive value of 95%. In summary, the available evidence is currently insufficient to determine the role of this variant in disease. Therefore, it has been classified as a Variant of Uncertain Significance.

NM_000540.3(RYR1):c.7618A>T (p.Thr2540Ser)

Gene: RYR1 (ryanodine receptor 1; plus strand). Cytogenetic location: 19q13.2.
Variant type: single nucleotide variant.
Coding change: c.7618A>T on transcript NM_000540.3 (MANE Select); coding-DNA position 7618, A replaced by T.
Protein change: p.Thr2540Ser; replaces threonine 2540 with serine.
Molecular consequence: missense variant.
Genome position (GRCh38, 1-based): chr19:38,502,510, A>T. VCF-style: chr19-38502510-A-T. GRCh37 (hg19) VCF-style: chr19-38993150-A-T.
Other names: c.7618A>T, p.Thr2540Ser (NM_001042723.2); short protein forms T2540S.
Identifiers: ClinVar variation 3636231 (VCV003636231.2).
Genomic context (GRCh38, chr19:38,502,510, plus strand): 5'-TGCCAGAGCAGCCCCAGGGGTGTGCAGCGGGCCTGATGTCCTCACCCTGCGCCCTAGGCC[A>T]CTTTCAGCACCACCGAGATGGCGCTGGCGCTGAACCGCTACCTGTGCCTGGCCGTGCTGC-3'
Protein context (NP_000531.2, residues 2530-2550): MRAAASLDTA[Thr2540Ser]FSTTEMALAL